The following is an entry in ClinVar:

ClinVar aggregate classification (germline): Uncertain significance (1 of 4 stars; one submission).

Submission:

Women's Health and Genetics/Laboratory Corporation of America, LabCorp
Classification: Uncertain significance. Last evaluated: 2023-08-22. Review status: criteria provided, single submitter. Criteria: LabCorp Variant Classification Summary - May 2015. Collection method: clinical testing. Allele origin: germline.
Comment: Variant summary: ABCC8 c.1881T>G (p.His627Gln) results in a non-conservative amino acid change in the encoded protein sequence. Four of five in-silico tools predict a benign effect of the variant on protein function. The variant was absent in 251172 control chromosomes (gnomAD). The available data on variant occurrences in the general population are insufficient to allow any conclusion about variant significance. To our knowledge, no occurrence of c.1881T>G in individuals affected with Familial Hyperinsulinism and no experimental evidence demonstrating its impact on protein function have been reported. No submitters have cited clinical-significance assessments for this variant to ClinVar after 2014. Based on the evidence outlined above, the variant was classified as uncertain significance.

NM_000352.6(ABCC8):c.1881T>G (p.His627Gln)

Gene: ABCC8 (ATP binding cassette subfamily C member 8; minus strand). Cytogenetic location: 11p15.1.
Variant type: single nucleotide variant.
Coding change: c.1881T>G on transcript NM_000352.6 (MANE Select); coding-DNA position 1881, T replaced by G.
Protein change: p.His627Gln; replaces histidine 627 with glutamine.
Molecular consequence: missense variant. On other transcripts: non-coding transcript variant (1).
Genome position (GRCh38, 1-based): chr11:17,428,607, A>C on the plus strand (T>G on the coding strand, the complement: ABCC8 is on the minus strand). VCF-style: chr11-17428607-A-C. GRCh37 (hg19) VCF-style: chr11-17450154-A-C.
Other names: c.1881T>G, p.His627Gln (NM_001287174.3, NM_001351295.2); c.1878T>G, p.His626Gln (NM_001351296.2, NM_001351297.2); short protein forms H626Q, H627Q.
Identifiers: ClinVar variation 2581285 (VCV002581285.1), dbSNP rs999485855, ClinGen allele CA379815769.
Genomic context (GRCh38, chr11:17,428,607, plus strand): 5'-GGGAGGCCGGGCACTCACCACCGCCTGGTACTTGCTGGCTGGGCCCTGAGGTGTGGGCTC[A>C]TGGGGGGCACACTGCTCCTCACGGATCTCTGCACTGGACAGGAACTCGCTTAGCTTTTGC-3'
Protein context (NP_000343.2, residues 617-637): AEIREEQCAP[His627Gln]EPTPQGPASK